The following is an entry in ClinVar:

ClinVar aggregate classification (germline): Uncertain significance (1 of 4 stars; one submission).

Conditions:
Birt-Hogg-Dube syndrome. Also called: Birt Hogg Dubé syndrome. Identifiers: Orphanet 122, MedGen C0346010, MONDO:0800444.

Submission:

Labcorp Genetics (formerly Invitae), Labcorp
Classification: Uncertain significance for Birt-Hogg-Dube syndrome. Last evaluated: 2024-05-06. Review status: criteria provided, single submitter. Criteria: Invitae Variant Classification Sherloc (09022015). Collection method: clinical testing. Allele origin: germline.
Comment: This sequence change replaces glycine, which is neutral and non-polar, with aspartic acid, which is acidic and polar, at codon 51 of the FLCN protein (p.Gly51Asp). This variant is not present in population databases (gnomAD no frequency). This variant has not been reported in the literature in individuals affected with FLCN-related conditions. ClinVar contains an entry for this variant (Variation ID: 1914727). An algorithm developed to predict the effect of missense changes on protein structure and function (PolyPhen-2) suggests that this variant is likely to be tolerated. In summary, the available evidence is currently insufficient to determine the role of this variant in disease. Therefore, it has been classified as a Variant of Uncertain Significance.

NM_144997.7(FLCN):c.152G>A (p.Gly51Asp)

Gene: FLCN (folliculin; minus strand). Cytogenetic location: 17p11.2.
Variant type: single nucleotide variant.
Coding change: c.152G>A on transcript NM_144997.7 (MANE Select); coding-DNA position 152, G replaced by A.
Protein change: p.Gly51Asp; replaces glycine 51 with aspartic acid.
Molecular consequence: missense variant.
Genome position (GRCh38, 1-based): chr17:17,227,986, C>T on the plus strand (G>A on the coding strand, the complement: FLCN is on the minus strand). VCF-style: chr17-17227986-C-T. GRCh37 (hg19) VCF-style: chr17-17131300-C-T.
Other names: c.152G>A, p.Gly51Asp (NM_001353229.2, NM_001353230.2, NM_001353231.2 and 1 more transcripts); short protein forms G51D.
Identifiers: ClinVar variation 1914727 (VCV001914727.5), dbSNP rs2145044590, ClinGen allele CA398535217.